The following is an entry in ClinVar:

ClinVar aggregate classification (germline): Uncertain significance. Review status: criteria provided, multiple submitters, no conflicts (2 of 4 stars). 3 submissions from 3 submitters: Uncertain significance (3). Last evaluated 2026-01-26.

Conditions:
Hereditary cancer-predisposing syndrome. Also called: Neoplastic Syndromes, Hereditary; Hereditary Cancer Syndrome; Tumor predisposition; Hereditary neoplastic syndrome. Identifiers: Orphanet 140162, MedGen C0027672, MeSH D009386, MONDO:0015356.

Allele frequency attached by ClinVar (database versions not stated): gnomAD exomes below 0.00001 and 0.00001.
gnomAD v4.1: 9 of 1,614,060 alleles (0.00056%); highest among the groups gnomAD compares: Non-Finnish European, 0.00076%; no homozygotes.

Submissions (3):

Labcorp Genetics (formerly Invitae), Labcorp
Classification: Uncertain significance. Last evaluated: 2026-01-26. Review status: criteria provided, single submitter. Criteria: Invitae Variant Classification Sherloc (09022015). Collection method: clinical testing. Allele origin: germline.
Comment: This sequence change replaces tyrosine, which is neutral and polar, with cysteine, which is neutral and slightly polar, at codon 362 of the POLE protein (p.Tyr362Cys). This variant is present in population databases (no rsID available, gnomAD 0.0009%). This missense change has been observed in individual(s) with clinical features of POLE-related disease (PMID: 26122175). ClinVar contains an entry for this variant (Variation ID: 505483). Invitae Evidence Modeling of protein sequence and biophysical properties (such as structural, functional, and spatial information, amino acid conservation, physicochemical variation, residue mobility, and thermodynamic stability) indicates that this missense variant is expected to disrupt POLE protein function with a positive predictive value of 80%. In summary, the available evidence is currently insufficient to determine the role of this variant in disease. Therefore, it has been classified as a Variant of Uncertain Significance.

Ambry Genetics
Classification: Uncertain significance for Hereditary cancer-predisposing syndrome. Last evaluated: 2024-02-22. Review status: criteria provided, single submitter. Criteria: Ambry Variant Classification Scheme 2023. Collection method: clinical testing. Allele origin: germline.
Comment: The p.Y362C variant (also known as c.1085A>G), located in coding exon 11 of the POLE gene, results from an A to G substitution at nucleotide position 1085. The tyrosine at codon 362 is replaced by cysteine, an amino acid with highly dissimilar properties. This amino acid position is highly conserved in available vertebrate species. In addition, this alteration is predicted to be deleterious by in silico analysis. Based on the available evidence, the clinical significance of this alteration remains unclear.

Laboratory for Molecular Medicine, Mass General Brigham Personalized Medicine
Classification: Uncertain significance. Last evaluated: 2016-12-08. Review status: criteria provided, single submitter. Criteria: LMM Criteria. Collection method: clinical testing. Allele origin: germline. Observed: 1 variant allele.
Comment: The p.Tyr362Cys variant in POLE has not been previously reported in individuals with colorectal cancer or in large population studies. Computational prediction tools and conservation analysis suggest that the p.Tyr362Cys variant may impact the protein, though this information is not predictive enough to determine patho genicity. In summary, the clinical significance of the p.Tyr362Cys variant is un certain.

Literature cited by the submitters: PubMed 26122175 (cited by Labcorp Genetics (formerly Invitae), Labcorp).

NM_006231.4(POLE):c.1085A>G (p.Tyr362Cys)

Gene: POLE (DNA polymerase epsilon, catalytic subunit; minus strand). Cytogenetic location: 12q24.33.
Variant type: single nucleotide variant.
Coding change: c.1085A>G on transcript NM_006231.4 (MANE Select); coding-DNA position 1085, A replaced by G.
Protein change: p.Tyr362Cys; replaces tyrosine 362 with cysteine.
Molecular consequence: missense variant.
Genome position (GRCh38, 1-based): chr12:132,675,756, T>C on the plus strand (A>G on the coding strand, the complement: POLE is on the minus strand). VCF-style: chr12-132675756-T-C. GRCh37 (hg19) VCF-style: chr12-133252342-T-C.
Other names: short protein forms Y362C.
Identifiers: ClinVar variation 505483 (VCV000505483.16), dbSNP rs1368897791, ClinGen allele CA387361420.